The following is an entry in ClinVar:

NM_000059.4(BRCA2):c.8615A>T (p.Glu2872Val)

Gene: BRCA2 (BRCA2 DNA repair associated; plus strand). Cytogenetic location: 13q13.1.
Variant type: single nucleotide variant.
Coding change: c.8615A>T on transcript NM_000059.4 (MANE Select); coding-DNA position 8615, A replaced by T.
Protein change: p.Glu2872Val; replaces glutamic acid 2872 with valine.
Molecular consequence: missense variant.
Genome position (GRCh38, 1-based): chr13:32,371,083, A>T. VCF-style: chr13-32371083-A-T. GRCh37 (hg19) VCF-style: chr13-32945220-A-T.
Other names: short protein forms E2872V.
Identifiers: ClinVar variation 924019 (VCV000924019.4), dbSNP rs2072830959, ClinGen allele CA387752945.
Genomic context (GRCh38, chr13:32,371,083, plus strand): 5'-CAAAATATGTGGAGGCCCAACAAAAGAGACTAGAAGCCTTATTCACTAAAATTCAGGAGG[A>T]ATTTGAAGAACATGAAGGTAAAATTAGTTATATGGTACACATTGTTATTTCTAATATGAG-3'
Protein context (NP_000050.3, residues 2862-2882): LEALFTKIQE[Glu2872Val]FEEHEENTTK

ClinVar aggregate classification (germline): Uncertain significance (1 of 4 stars; one submission).

Conditions:
Hereditary cancer-predisposing syndrome. Also called: Neoplastic Syndromes, Hereditary; Tumor predisposition; Hereditary Cancer Syndrome; Hereditary neoplastic syndrome. Identifiers: Orphanet 140162, MedGen C0027672, MeSH D009386, MONDO:0015356.

Submission:

Color Diagnostics, LLC DBA Color Health
Classification: Uncertain significance for Hereditary cancer-predisposing syndrome. Last evaluated: 2023-12-05. Review status: criteria provided, single submitter. Criteria: ACMG Guidelines, 2015. Collection method: clinical testing. Allele origin: germline.
Comment: This missense variant replaces glutamic acid with valine at codon 2872 of the BRCA2 protein. Computational prediction is inconclusive regarding the impact of this variant on protein structure and function (internally defined REVEL score threshold 0.5 < inconclusive < 0.7, PMID: 27666373). To our knowledge, functional studies have not been reported for this variant. This variant has not been reported in individuals affected with BRCA2-related disorders in the literature. This variant has not been identified in the general population by the Genome Aggregation Database (gnomAD). The available evidence is insufficient to determine the role of this variant in disease conclusively. Therefore, this variant is classified as a Variant of Uncertain Significance.